The following is an entry in ClinVar:

NM_006015.6(ARID1A):c.5408A>G (p.Glu1803Gly)

Gene: ARID1A (AT-rich interaction domain 1A; plus strand). Cytogenetic location: 1p36.11.
Variant type: single nucleotide variant.
Coding change: c.5408A>G on transcript NM_006015.6 (MANE Select); coding-DNA position 5408, A replaced by G.
Protein change: p.Glu1803Gly; replaces glutamic acid 1803 with glycine.
Molecular consequence: missense variant.
Genome position (GRCh38, 1-based): chr1:26,779,306, A>G. VCF-style: chr1-26779306-A-G. GRCh37 (hg19) VCF-style: chr1-27105797-A-G.
Other names: c.4757A>G, p.Glu1586Gly (NM_139135.4); short protein forms E1586G, E1803G.
Identifiers: ClinVar variation 1304330 (VCV001304330.2), dbSNP rs112408351, ClinGen allele CA19815359.
Genomic context (GRCh38, chr1:26,779,306, plus strand): 5'-AAAATGATGAGGAGATAGCCTTTTCAGGCAAGGACAAGCCAGCTTCAGAGAATAGTGAGG[A>G]GAAGCTGATCAGTAAGTTTGACAAGCTTCCAGTAAAGATCGTACAGAAGAATGATCCATT-3'
Protein context (NP_006006.3, residues 1793-1813): KDKPASENSE[Glu1803Gly]KLISKFDKLP

ClinVar aggregate classification (germline): Uncertain significance (1 of 4 stars; one submission).

Submission:

GeneDx
Classification: Uncertain significance. Last evaluated: 2019-05-23. Review status: criteria provided, single submitter. Criteria: GeneDx Variant Classification Process June 2021. Collection method: clinical testing. Allele origin: germline. Affected: yes.
Comment: Not observed in large population cohorts (Lek et al., 2016); In silico analysis, which includes protein predictors and evolutionary conservation, supports that this variant does not alter protein structure/function; Has not been previously published as pathogenic or benign to our knowledge